The following is an entry in ClinVar:

ClinVar aggregate classification (germline): Uncertain significance (1 of 4 stars; one submission).

Submission:

Labcorp Genetics (formerly Invitae), Labcorp
Classification: Uncertain significance. Last evaluated: 2024-11-12. Review status: criteria provided, single submitter. Criteria: Invitae Variant Classification Sherloc (09022015). Collection method: clinical testing. Allele origin: germline.
Comment: This sequence change replaces lysine, which is basic and polar, with arginine, which is basic and polar, at codon 291 of the ABCA3 protein (p.Lys291Arg). This variant is not present in population databases (gnomAD no frequency). This variant has not been reported in the literature in individuals affected with ABCA3-related conditions. An algorithm developed to predict the effect of missense changes on protein structure and function (PolyPhen-2) suggests that this variant is likely to be disruptive. Algorithms developed to predict the effect of sequence changes on RNA splicing suggest that this variant may disrupt the consensus splice site. In summary, the available evidence is currently insufficient to determine the role of this variant in disease. Therefore, it has been classified as a Variant of Uncertain Significance.

NM_001089.3(ABCA3):c.872A>G (p.Lys291Arg)

Gene: ABCA3 (ATP binding cassette subfamily A member 3; minus strand). Cytogenetic location: 16p13.3.
Variant type: single nucleotide variant.
Coding change: c.872A>G on transcript NM_001089.3 (MANE Select); coding-DNA position 872, A replaced by G.
Protein change: p.Lys291Arg; replaces lysine 291 with arginine.
Molecular consequence: missense variant.
Genome position (GRCh38, 1-based): chr16:2,319,582, T>C on the plus strand (A>G on the coding strand, the complement: ABCA3 is on the minus strand). VCF-style: chr16-2319582-T-C. GRCh37 (hg19) VCF-style: chr16-2369583-T-C.
Other names: short protein forms K291R.
Identifiers: ClinVar variation 3725139 (VCV003725139.2).